The following is an entry in ClinVar:

ClinVar aggregate classification (germline): Conflicting classifications of pathogenicity. Review status: criteria provided, conflicting classifications (1 of 4 stars). 2 submissions from 2 submitters: Likely pathogenic (1); Uncertain significance (1). Last evaluated 2023-10-02.

Conditions:
SPOP-related disorder. Also called: SPOP-related condition.

Submissions (2):

GeneDx
Classification: Uncertain significance. Last evaluated: 2023-10-02. Review status: criteria provided, single submitter. Criteria: GeneDx Variant Classification Process June 2021. Collection method: clinical testing. Allele origin: germline. Affected: yes.
Comment: Not observed at significant frequency in large population cohorts (gnomAD); In silico analysis supports that this missense variant has a deleterious effect on protein structure/function; Has not been previously published as pathogenic or benign to our knowledge

Blueprint Genetics
Classification: Likely pathogenic for SPOP-related disorders. Last evaluated: 2022-12-09. Review status: criteria provided, single submitter. Criteria: ACMG Guidelines, 2015. Collection method: clinical testing. Allele origin: de novo. Affected: yes. Observed: 1 variant allele.

NM_001007228.2(SPOP):c.383G>T (p.Gly128Val)

Gene: SPOP (speckle type BTB/POZ protein; minus strand). Cytogenetic location: 17q21.33.
Variant type: single nucleotide variant.
Coding change: c.383G>T on transcript NM_001007228.2 (MANE Select); coding-DNA position 383, G replaced by T.
Protein change: p.Gly128Val; replaces glycine 128 with valine.
Molecular consequence: missense variant.
Genome position (GRCh38, 1-based): chr17:49,619,078, C>A on the plus strand (G>T on the coding strand, the complement: SPOP is on the minus strand). VCF-style: chr17-49619078-C-A. GRCh37 (hg19) VCF-style: chr17-47696440-C-A.
Other names: c.383G>T, p.Gly128Val (NM_001007226.1, NM_001007227.1, NM_001007229.1 and 5 more transcripts); short protein forms G128V.
Identifiers: ClinVar variation 3252478 (VCV003252478.2), dbSNP rs2072156576.
Genomic context (GRCh38, chr17:49,619,078, plus strand): 5'-CCGTTGGCCTCATCCAAAAGAAAATCTCTACGGATGAATTTCTTGAATCCCCAGTCTTTG[C>A]CTTGCACAAACCTATATGCCCGTTGACTCTCTGGGGTGGGGAAAAAAAAAGTCATATTTA-3'
Protein context (NP_001007229.1, residues 118-138): ESQRAYRFVQ[Gly128Val]KDWGFKKFIR